The following is an entry in ClinVar:

NM_015295.3(SMCHD1):c.17G>T (p.Gly6Val)

Gene: SMCHD1 (structural maintenance of chromosomes flexible hinge domain containing 1; plus strand). Cytogenetic location: 18p11.32.
Variant type: single nucleotide variant.
Coding change: c.17G>T on transcript NM_015295.3 (MANE Select); coding-DNA position 17, G replaced by T.
Protein change: p.Gly6Val; replaces glycine 6 with valine.
Molecular consequence: missense variant.
Genome position (GRCh38, 1-based): chr18:2,656,092, G>T. VCF-style: chr18-2656092-G-T. GRCh37 (hg19) VCF-style: chr18-2656091-G-T.
Other names: short protein forms G6V.
Identifiers: ClinVar variation 2859418 (VCV002859418.3), dbSNP rs1228415644, ClinGen allele CA401684522.

ClinVar aggregate classification (germline): Uncertain significance (1 of 4 stars; one submission).

Conditions:
Facioscapulohumeral muscular dystrophy 2 (FSHD2). Also called: MUSCULAR DYSTROPHY, FACIOSCAPULOHUMERAL, TYPE 1B; FACIOSCAPULOHUMERAL MUSCULAR DYSTROPHY 2, DIGENIC; FSHD2, DIGENIC. Identifiers: Orphanet 269, MedGen C1834671, MONDO:0008031, OMIM 158901.

gnomAD v4.1: 5 of 1,406,240 alleles (0.00036%); highest among the groups gnomAD compares: Non-Finnish European, 0.00046%; no homozygotes.

Submission:

Labcorp Genetics (formerly Invitae), Labcorp
Classification: Uncertain significance for Facioscapulohumeral muscular dystrophy 2. Last evaluated: 2024-02-29. Review status: criteria provided, single submitter. Criteria: Invitae Variant Classification Sherloc (09022015). Collection method: clinical testing. Allele origin: germline.
Comment: This sequence change replaces glycine, which is neutral and non-polar, with valine, which is neutral and non-polar, at codon 6 of the SMCHD1 protein (p.Gly6Val). The frequency data for this variant in the population databases is considered unreliable, as metrics indicate poor data quality at this position in the gnomAD database. This variant has not been reported in the literature in individuals affected with SMCHD1-related conditions. Experimental studies and prediction algorithms are not available or were not evaluated, and the functional significance of this variant is currently unknown. In summary, the available evidence is currently insufficient to determine the role of this variant in disease. Therefore, it has been classified as a Variant of Uncertain Significance.